The following is an entry in ClinVar:

ClinVar aggregate classification (germline): Likely benign (0 of 4 stars; one submission).

Conditions:
ODAD4-related disorder. Also called: ODAD4-related condition.

Allele frequency attached by ClinVar (database versions not stated): TOPMed 0.00002; gnomAD 0.00003; 1000 Genomes Project 30x 0.00016; 1000 Genomes Project 0.00020.
gnomAD v4.1: 109 of 1,613,976 alleles (0.0068%); highest among the groups gnomAD compares: South Asian, 0.11%; no homozygotes.

Submission:

PreventionGenetics, part of Exact Sciences
Classification: Likely benign for ODAD4-related condition. Last evaluated: 2019-07-10. Review status: no assertion criteria provided. Collection method: clinical testing. Allele origin: germline.
Comment: This variant is classified as likely benign based on ACMG/AMP sequence variant interpretation guidelines (Richards et al. 2015 PMID: 25741868, with internal and published modifications).

NM_031421.5(ODAD4):c.738C>T (p.Tyr246=)

Gene: ODAD4 (outer dynein arm docking complex subunit 4; plus strand). Cytogenetic location: 17q21.2.
Variant type: single nucleotide variant.
Coding change: c.738C>T on transcript NM_031421.5 (MANE Select); coding-DNA position 738, C replaced by T.
Protein change: p.Tyr246=; no amino-acid change (tyrosine 246 retained).
Molecular consequence: synonymous variant. On other transcripts: non-coding transcript variant (1).
Genome position (GRCh38, 1-based): chr17:41,938,669, C>T. VCF-style: chr17-41938669-C-T. GRCh37 (hg19) VCF-style: chr17-40094922-C-T.
Other names: c.738C>T, p.Tyr246= (NM_001350319.2).
Identifiers: ClinVar variation 3043572 (VCV003043572.2), dbSNP rs549565054, ClinGen allele CA8569118.